The following is an entry in ClinVar:

ClinVar aggregate classification (germline): Uncertain significance (0 of 4 stars; one submission).

Conditions:
LRP6-related disorder. Also called: LRP6-related condition.

Allele frequency attached by ClinVar (database versions not stated): TOPMed below 0.00001.

Submission:

PreventionGenetics, part of Exact Sciences
Classification: Uncertain significance for LRP6-related condition. Last evaluated: 2024-01-11. Review status: no assertion criteria provided. Collection method: clinical testing. Allele origin: germline.
Comment: The LRP6 c.1133A>T variant is predicted to result in the amino acid substitution p.Asp378Val. To our knowledge, this variant has not been reported in the literature or in a large population database, indicating this variant is rare. At this time, the clinical significance of this variant is uncertain due to the absence of conclusive functional and genetic evidence.

NM_002336.3(LRP6):c.1133A>T (p.Asp378Val)

Gene: LRP6 (LDL receptor related protein 6; minus strand). Cytogenetic location: 12p13.2.
Variant type: single nucleotide variant.
Coding change: c.1133A>T on transcript NM_002336.3 (MANE Select); coding-DNA position 1133, A replaced by T.
Protein change: p.Asp378Val; replaces aspartic acid 378 with valine.
Molecular consequence: missense variant. On other transcripts: non-coding transcript variant (1).
Genome position (GRCh38, 1-based): chr12:12,181,283, T>A on the plus strand (A>T on the coding strand, the complement: LRP6 is on the minus strand). VCF-style: chr12-12181283-T-A. GRCh37 (hg19) VCF-style: chr12-12334217-T-A.
Other names: c.1133A>T, p.Asp378Val (NM_001414244.1, NM_001414245.1, NM_001414246.1 and 5 more transcripts); c.935A>T, p.Asp312Val (NM_001414247.1); c.680A>T, p.Asp227Val (NM_001414252.1, NM_001414253.1, NM_001414254.1); short protein forms D227V, D312V, D378V.
Identifiers: ClinVar variation 3032907 (VCV003032907.2), dbSNP rs1022328266, ClinGen allele CA232999498.